The following is an entry in ClinVar:

NM_007118.4(TRIO):c.5816G>C (p.Ser1939Thr)

Gene: TRIO (trio Rho guanine nucleotide exchange factor; plus strand). Cytogenetic location: 5p15.2.
Variant type: single nucleotide variant.
Coding change: c.5816G>C on transcript NM_007118.4 (MANE Select); coding-DNA position 5816, G replaced by C.
Protein change: p.Ser1939Thr; replaces serine 1939 with threonine.
Molecular consequence: missense variant. On other transcripts: non-coding transcript variant (1).
Genome position (GRCh38, 1-based): chr5:14,471,370, G>C. VCF-style: chr5-14471370-G-C. GRCh37 (hg19) VCF-style: chr5-14471479-G-C.
Other names: short protein forms S1939T.
Identifiers: ClinVar variation 4881077 (VCV004881077.2).

ClinVar aggregate classification (germline): Uncertain significance (1 of 4 stars; one submission).

gnomAD v4.1: 3 of 1,614,106 alleles (0.00019%); highest among the groups gnomAD compares: Non-Finnish European, 0.00025%; no homozygotes.

Submission:

Dasa
Classification: Uncertain significance. Last evaluated: 2025-09-16. Review status: criteria provided, single submitter. Criteria: DASA Assertion Criteria. Collection method: clinical testing. Allele origin: germline.
Comment: NM_007118.4(TRIO):c.5816G>C (p.Ser1939Thr) is a missense variant that results in the substitution of serine with threonine. This variant is rare in population databases. The currently available literature and clinical evidence are not sufficient to establish a definitive association between this variant and the reported condition. Therefore, this variant is classified as a variant of uncertain significance.